The following is an entry in ClinVar:

NM_001103.4(ACTN2):c.806T>C (p.Ile269Thr)

Gene: ACTN2 (actinin alpha 2; plus strand). Cytogenetic location: 1q43.
Variant type: single nucleotide variant.
Coding change: c.806T>C on transcript NM_001103.4 (MANE Select); coding-DNA position 806, T replaced by C.
Protein change: p.Ile269Thr; replaces isoleucine 269 with threonine.
Molecular consequence: missense variant.
Genome position (GRCh38, 1-based): chr1:236,737,144, T>C. VCF-style: chr1-236737144-T-C. GRCh37 (hg19) VCF-style: chr1-236900444-T-C.
Other names: c.806T>C, p.Ile269Thr (NM_001278343.2); c.182T>C, p.Ile61Thr (NM_001278344.2); short protein forms I269T, I61T.
Identifiers: ClinVar variation 1352604 (VCV001352604.6), dbSNP rs2102919139, ClinGen allele CA345378829.

ClinVar aggregate classification (germline): Uncertain significance (1 of 4 stars; one submission).

Conditions:
Primary familial hypertrophic cardiomyopathy (HCM). Identifiers: Orphanet 99739, MedGen C0949658, MeSH D024741, MONDO:0024573. Inheritance: Various modes of inheritance.
Dilated cardiomyopathy 1AA (CMD1AA). Also called: CARDIOMYOPATHY, DILATED, 1AA, WITH OR WITHOUT LEFT VENTRICULAR NONCOMPACTION; CARDIOMYOPATHY, FAMILIAL HYPERTROPHIC, 23, WITH OR WITHOUT LEFT VENTRICULAR NONCOMPACTION; Cardiomyopathy, dilated, 1AA, with or without LVNC. Identifiers: Orphanet 154, MedGen C2677338, MONDO:0012808, OMIM 612158.

Submission:

Labcorp Genetics (formerly Invitae), Labcorp
Classification: Uncertain significance for Primary familial hypertrophic cardiomyopathy; Dilated cardiomyopathy 1AA. Last evaluated: 2022-09-06. Review status: criteria provided, single submitter. Criteria: Invitae Variant Classification Sherloc (09022015). Collection method: clinical testing. Allele origin: germline.
Comment: This sequence change replaces isoleucine, which is neutral and non-polar, with threonine, which is neutral and polar, at codon 269 of the ACTN2 protein (p.Ile269Thr). This variant is not present in population databases (gnomAD no frequency). This variant has not been reported in the literature in individuals affected with ACTN2-related conditions. ClinVar contains an entry for this variant (Variation ID: 1352604). Advanced modeling of protein sequence and biophysical properties (such as structural, functional, and spatial information, amino acid conservation, physicochemical variation, residue mobility, and thermodynamic stability) performed at Invitae indicates that this missense variant is not expected to disrupt ACTN2 protein function. In summary, the available evidence is currently insufficient to determine the role of this variant in disease. Therefore, it has been classified as a Variant of Uncertain Significance.